The following is an entry in ClinVar:

ClinVar aggregate classification (germline): Benign. Review status: reviewed by expert panel (3 of 4 stars). 28 submissions from 27 submitters: Benign (1). 27 of the submissions do not count toward it. Last evaluated 2025-11-11.

Conditions:
Cardiomyopathy (CMYO). Also called: Cardiomyopathies. Identifiers: Orphanet 167848, MedGen C0878544, MONDO:0004994, HP:0001638. Inheritance: Various modes of inheritance.
Hypertrophic cardiomyopathy. Also called: HYPERTROPHIC MYOCARDIOPATHY. Identifiers: Orphanet 217569, MedGen C0007194, MeSH D002312, MONDO:0005045, HP:0001639.
Restrictive cardiomyopathy. Identifiers: Orphanet 217632, MedGen C0007196, MeSH D002313, MONDO:0005201, HP:0001723.
Cardiovascular phenotype. Identifiers: MedGen CN230736.
Hypertrophic cardiomyopathy 1 (CMH1). Also called: Familial hypertrophic cardiomyopathy 1; MYH7-Related Familial Hypertrophic Cardiomyopathy. Identifiers: MedGen C3495498, MONDO:0008647, OMIM 192600.
Dilated cardiomyopathy 1S (CMD1S). Identifiers: Orphanet 154, Orphanet 54260, MedGen C1834481, MONDO:0013262, OMIM 613426.

Allele frequency attached by ClinVar (database versions not stated): gnomAD 0.00850 and 0.00861; TOPMed 0.00928; gnomAD exomes 0.01197 and 0.00818; 1000 Genomes Project 0.00519; ESP Exome Variant Server 0.00861; 1000 Genomes Project 30x 0.00531; ExAC 0.00746.
gnomAD v4.1: 18,642 of 1,614,158 alleles (1.2%); highest among the groups gnomAD compares: Non-Finnish European, 1.4%; 156 homozygotes.

Submissions (28):

ClinGen Cardiomyopathy Variant Curation Expert Panel
Classification: Benign for Hypertrophic cardiomyopathy. Last evaluated: 2025-11-11. Review status: reviewed by expert panel. Criteria: ClinGen CMP ACMG Specifications MYH7 V2.0.0. Collection method: curation. Allele origin: germline. Inheritance: Autosomal dominant inheritance.
Comment: The filtering allele frequency of the c.4472C>G (p.Ser1491Cys) variant in the MYH7 gene is 0.98% (698/66740) of European chromosomes by the Exome Aggregation Consortium, which is a high enough frequency to be classified as benign based on thresholds defined by the ClinGen Inherited Cardiomyopathy Expert Panel (BA1; PMID:29300372).

CeGaT Center for Human Genetics Tuebingen
Classification: Benign. Last evaluated: 2026-09-01. Review status: criteria provided, single submitter. Criteria: CeGaT Center For Human Genetics Tuebingen Variant Classification Criteria Version 2. Collection method: clinical testing. Allele origin: germline. Affected: yes. Observed: 91 variant alleles. Not counted in ClinVar's aggregate classification.
Comment: MYH7: BS1, BS2

Labcorp Genetics (formerly Invitae), Labcorp
Classification: Benign for Hypertrophic cardiomyopathy. Last evaluated: 2026-02-04. Review status: criteria provided, single submitter. Criteria: Invitae Variant Classification Sherloc (09022015). Collection method: clinical testing. Allele origin: germline. Not counted in ClinVar's aggregate classification.

Genomic Medicine Center of Excellence, King Faisal Specialist Hospital and Research Centre
Classification: Likely benign. Last evaluated: 2025-08-18. Review status: criteria provided, single submitter. Criteria: ACMG Guidelines, 2015. Collection method: clinical testing. Allele origin: germline. Not counted in ClinVar's aggregate classification.

ARUP Laboratories, Molecular Genetics and Genomics, ARUP Laboratories
Classification: Benign. Last evaluated: 2025-07-23. Review status: criteria provided, single submitter. Criteria: ARUP Molecular Germline Variant Investigation Process 2024. Collection method: clinical testing. Allele origin: germline. Not counted in ClinVar's aggregate classification.

Molecular Diagnostic Laboratory for Inherited Cardiovascular Disease, Montreal Heart Institute
Classification: Likely benign. Last evaluated: 2025-04-08. Review status: criteria provided, single submitter. Criteria: ACMG Guidelines, 2015. Collection method: clinical testing. Allele origin: germline. Affected: no. Not counted in ClinVar's aggregate classification.

Blueprint Genetics
Classification: Likely benign. Last evaluated: 2024-11-27. Review status: criteria provided, single submitter. Criteria: ACMG Guidelines, 2015. Collection method: clinical testing. Allele origin: germline. Not counted in ClinVar's aggregate classification.

Cohesion Phenomics
Classification: Benign for Hypertrophic Cardiomyopathy. Last evaluated: 2022-10-10. Review status: criteria provided, single submitter. Criteria: ACMG Guidelines, 2015. Collection method: clinical testing. Allele origin: germline. Affected: yes. Not counted in ClinVar's aggregate classification.

Center for Advanced Laboratory Medicine, UC San Diego Health, University of California San Diego
Classification: Benign for Hypertrophic cardiomyopathy; Restrictive cardiomyopathy; Cardiomyopathy. Last evaluated: 2018-11-14. Review status: criteria provided, single submitter. Criteria: ACMG Guidelines, 2015. Collection method: clinical testing. Allele origin: germline. Affected: yes. Observed: 3 variant alleles. Not counted in ClinVar's aggregate classification.

Athena Diagnostics
Classification: Benign. Last evaluated: 2018-03-23. Review status: criteria provided, single submitter. Criteria: Athena Diagnostics Criteria. Collection method: clinical testing. Allele origin: germline. Not counted in ClinVar's aggregate classification.

Color Diagnostics, LLC DBA Color Health
Classification: Benign for Cardiomyopathy. Last evaluated: 2018-03-05. Review status: criteria provided, single submitter. Criteria: ACMG Guidelines, 2015. Collection method: clinical testing. Allele origin: germline. Not counted in ClinVar's aggregate classification.

Mayo Clinic Laboratories, Mayo Clinic
Classification: Benign. Last evaluated: 2018-01-30. Review status: criteria provided, single submitter. Criteria: ACMG Guidelines, 2015. Collection method: clinical testing. Allele origin: germline. Observed: 71 variant alleles. Not counted in ClinVar's aggregate classification.

Illumina Laboratory Services, Illumina
Classification: Likely benign for Dilated cardiomyopathy 1S. Last evaluated: 2017-04-27. Review status: criteria provided, single submitter. Criteria: ICSL Variant Classification Criteria 13 December 2019. Collection method: clinical testing. Allele origin: germline. Not counted in ClinVar's aggregate classification.
Comment: This variant was observed as part of a predisposition screen in an ostensibly healthy population. A literature search was performed for the gene, cDNA change, and amino acid change (where applicable). No publications were found based on this search. Allele frequency data from public databases allowed determination this variant is unlikely to cause disease. Therefore, this variant is classified as likely benign.

Illumina Laboratory Services, Illumina
Classification: Likely benign for Hypertrophic cardiomyopathy 1. Last evaluated: 2017-04-27. Review status: criteria provided, single submitter. Criteria: ICSL Variant Classification Criteria 13 December 2019. Collection method: clinical testing. Allele origin: germline. Not counted in ClinVar's aggregate classification.
Comment: the same text as in the submission from Illumina Laboratory Services, Illumina above.

Laboratory for Molecular Medicine, Mass General Brigham Personalized Medicine
Classification: Benign. Last evaluated: 2016-01-07. Review status: criteria provided, single submitter. Criteria: LMM Criteria. Collection method: clinical testing. Allele origin: germline. Observed: 143 variant alleles. Not counted in ClinVar's aggregate classification.
Comment: p.Ser1491Cys in exon 31 of MYH7: This variant is not expected to have clinical s ignificance because it has been identified in 1.1% (698/66740) of European chrom osomes by the Exome Aggregation Consortium (ExAC ; dbSNP rs3729823).

Ambry Genetics
Classification: Benign for Cardiovascular phenotype. Last evaluated: 2015-07-21. Review status: criteria provided, single submitter. Criteria: Ambry Variant Classification Scheme 2023. Collection method: clinical testing. Allele origin: germline. Not counted in ClinVar's aggregate classification.

Genomic Diagnostic Laboratory, Division of Genomic Diagnostics, Children's Hospital of Philadelphia
Classification: Benign for Familial hypertrophic cardiomyopathy 1. Last evaluated: 2015-04-12. Review status: criteria provided, single submitter. Criteria: DGD Variant Analysis Guidelines. Collection method: clinical testing. Allele origin: unknown. Not counted in ClinVar's aggregate classification.

Genetic Services Laboratory, University of Chicago
Classification: Benign. Last evaluated: 2014-08-14. Review status: criteria provided, single submitter. Criteria: ACMG Guidelines, 2015. Collection method: clinical testing. Allele origin: germline. Not counted in ClinVar's aggregate classification.

Biesecker Lab/Clinical Genomics Section, National Institutes of Health
Classification: Benign for Cardiomyopathy, hypertrophic. Last evaluated: 2013-06-24. Review status: criteria provided, single submitter. Criteria: Ng et al. (Circ Cardiovasc Genet. 2013). Collection method: research. Allele origin: unknown. Observed: 12 variant alleles. Study: ClinSeq. Not counted in ClinVar's aggregate classification.
Comment: The study set was not selected for affection status in relation to any cancer. HGMD phenotype assertion is uncertain. Pathogenicity categories were based on literature curation. See Pubmed ID:23861362 for details.

Medical sequencing

Eurofins Ntd Llc (ga)
Classification: Benign. Last evaluated: 2013-03-12. Review status: criteria provided, single submitter. Criteria: EGL Classification Definitions 2015. Collection method: clinical testing. Allele origin: germline. Observed: 1 variant allele, 1 heterozygote. Not counted in ClinVar's aggregate classification.

GeneDx
Classification: Benign. Last evaluated: 2012-04-17. Review status: criteria provided, single submitter. Criteria: GeneDx Variant Classification (06012015). Collection method: clinical testing. Allele origin: germline. Affected: yes. Not counted in ClinVar's aggregate classification.
Comment: This variant is considered likely benign or benign based on one or more of the following criteria: it is a conservative change, it occurs at a poorly conserved position in the protein, it is predicted to be benign by multiple in silico algorithms, and/or has population frequency not consistent with disease.

Breakthrough Genomics
Classification: Benign. Review status: criteria provided, single submitter. Criteria: ACMG Guidelines, 2015. Collection method: not provided. Allele origin: germline. Inheritance: Autosomal recessive inheritance. Affected: yes. Not counted in ClinVar's aggregate classification.

PreventionGenetics, part of Exact Sciences
Classification: Benign. Review status: criteria provided, single submitter. Criteria: ACMG Guidelines, 2015. Collection method: clinical testing. Allele origin: germline. Not counted in ClinVar's aggregate classification.

Clinical Genetics, Academic Medical Center
Classification: Benign. Review status: no assertion criteria provided. Collection method: clinical testing. Allele origin: germline. Affected: yes. Study: VKGL Data-share Consensus. Not counted in ClinVar's aggregate classification.

Diagnostic Laboratory, Department of Genetics, University Medical Center Groningen
Classification: Benign. Review status: no assertion criteria provided. Collection method: clinical testing. Allele origin: germline. Affected: yes. Study: VKGL Data-share Consensus. Not counted in ClinVar's aggregate classification.

Genome Diagnostics Laboratory, University Medical Center Utrecht
Classification: Benign. Review status: no assertion criteria provided. Collection method: clinical testing. Allele origin: germline. Affected: yes. Study: VKGL Data-share Consensus. Not counted in ClinVar's aggregate classification.

Joint Genome Diagnostic Labs from Nijmegen and Maastricht, Radboudumc and MUMC+
Classification: Benign. Review status: no assertion criteria provided. Collection method: clinical testing. Allele origin: germline. Affected: yes. Study: VKGL Data-share Consensus. Not counted in ClinVar's aggregate classification.

Laboratory of Diagnostic Genome Analysis, Leiden University Medical Center (LUMC)
Classification: Likely benign. Review status: no assertion criteria provided. Collection method: clinical testing. Allele origin: germline. Affected: yes. Study: VKGL Data-share Consensus. Not counted in ClinVar's aggregate classification.

Literature cited by the submitters: PubMed 29300372 (cited by ClinGen Cardiomyopathy Variant Curation Expert Panel); PubMed 15769782 (cited by Athena Diagnostics); PubMed 11861413 (cited by Athena Diagnostics and Laboratory for Molecular Medicine, Mass General Brigham Personalized Medicine); PubMed 15358028 (cited by Athena Diagnostics and Laboratory for Molecular Medicine, Mass General Brigham Personalized Medicine); PubMed 27884173 (cited by Athena Diagnostics); PubMed 21310275 (cited by Athena Diagnostics); PubMed 26846766 (cited by Athena Diagnostics); PubMed 29178653 (cited by Athena Diagnostics); PubMed 22958901 (cited by Athena Diagnostics); PubMed 19150014 (cited by Athena Diagnostics); PubMed 17336526 (cited by Athena Diagnostics); PubMed 15483641 (cited by Athena Diagnostics and Laboratory for Molecular Medicine, Mass General Brigham Personalized Medicine); PubMed 20981092 (cited by Athena Diagnostics); PubMed 23299917 (cited by Athena Diagnostics); PubMed 22763267 (cited by Athena Diagnostics); PubMed 21425739 (cited by Athena Diagnostics); PubMed 21302287 (cited by Athena Diagnostics); PubMed 22765922 (cited by Athena Diagnostics); PubMed 18409188 (cited by Athena Diagnostics).

NM_000257.4(MYH7):c.4472C>G (p.Ser1491Cys)

Genes: MHRT (myosin heavy chain associated RNA transcript; plus strand), MYH7 (myosin heavy chain 7; minus strand). Cytogenetic location: 14q11.2.
Variant type: single nucleotide variant.
Coding change: c.4472C>G on transcript NM_000257.4 (MANE Select); coding-DNA position 4472, C replaced by G.
Protein change: p.Ser1491Cys; replaces serine 1491 with cysteine.
Molecular consequence: missense variant.
Genome position (GRCh38, 1-based): chr14:23,417,200, G>C on the plus strand (C>G on the coding strand, the complement: MYH7 is on the minus strand). VCF-style: chr14-23417200-G-C. GRCh37 (hg19) VCF-style: chr14-23886409-G-C.
Other names: p.S1491C:TCC>TGC; NM_000257.3(MYH7):c.4472C>G; short protein forms S1491C.
Identifiers: ClinVar variation 43020 (VCV000043020.85), dbSNP rs3729823, ClinGen allele CA015008.